The following is an entry in ClinVar:

ClinVar aggregate classification (germline): Uncertain significance (1 of 4 stars; one submission).

Allele frequency attached by ClinVar (database versions not stated): gnomAD exomes below 0.00001; TOPMed 0.00001.
gnomAD v4.1: 1 of 1,613,098 alleles (0.000062%); highest among the groups gnomAD compares: Admixed American, 0.0017%; no homozygotes.

Submission:

Women's Health and Genetics/Laboratory Corporation of America, LabCorp
Classification: Uncertain significance. Last evaluated: 2023-08-02. Review status: criteria provided, single submitter. Criteria: LabCorp Variant Classification Summary - May 2015. Collection method: clinical testing. Allele origin: germline.
Comment: Variant summary: BSCL2 c.-15C>T is located in the untranslated mRNA region upstream of the initiation codon. The variant was absent in 248420 control chromosomes. The available data on variant occurrences in the general population are insufficient to allow any conclusion about variant significance. To our knowledge, no occurrence of c.-15C>T in individuals affected with BSCL2-Related Disorders and no experimental evidence demonstrating its impact on protein function have been reported. No submitters have cited clinical-significance assessments for this variant to ClinVar after 2014. Based on the evidence outlined above, the variant was classified as uncertain significance.

NM_001122955.4(BSCL2):c.178C>T (p.Pro60Ser)

Genes: BSCL2 (BSCL2 lipid droplet biogenesis associated, seipin; minus strand), HNRNPUL2-BSCL2 (HNRNPUL2-BSCL2 readthrough (NMD candidate); minus strand). Cytogenetic location: 11q12.3.
Variant type: single nucleotide variant.
Coding change: c.178C>T on transcript NM_001122955.4 (MANE Select); coding-DNA position 178, C replaced by T.
Protein change: p.Pro60Ser; replaces proline 60 with serine.
Molecular consequence: missense variant. On other transcripts: non-coding transcript variant (1), 5 prime UTR variant (2).
Genome position (GRCh38, 1-based): chr11:62,705,527, G>A on the plus strand (C>T on the coding strand, the complement: BSCL2 is on the minus strand). VCF-style: chr11-62705527-G-A. GRCh37 (hg19) VCF-style: chr11-62472999-G-A.
Other names: c.-15C>T (NM_001130702.2, NM_032667.6); c.178C>T, p.Pro60Ser (NM_001386027.1, NM_001386028.1); short protein forms P60S.
Identifiers: ClinVar variation 2581250 (VCV002581250.1), dbSNP rs2083513803, ClinGen allele CA380970870.
Genomic context (GRCh38, chr11:62,705,527, plus strand): 5'-CCTCCTGGGCCCACAGTAAGGCAGGTACTGGAGGGTCGTTGACCATGGCCGGGAGAGCAG[G>A]GTGTCTGGCCCCAGGTTCAGGCCTTGCGTTCCTAGCTGCTCTGCCACCTGGACGCCACCC-3'
Protein context (NP_001116427.1, residues 50-70): NARPEPGARH[Pro60Ser]ALPAMVNDPP